The following is an entry in ClinVar:

NM_021098.3(CACNA1H):c.3792G>T (p.Gln1264His)

Gene: CACNA1H (calcium voltage-gated channel subunit alpha1 H; plus strand). Cytogenetic location: 16p13.3.
Variant type: single nucleotide variant.
Coding change: c.3792G>T on transcript NM_021098.3 (MANE Select); coding-DNA position 3792, G replaced by T.
Protein change: p.Gln1264His; replaces glutamine 1264 with histidine.
Molecular consequence: missense variant.
Genome position (GRCh38, 1-based): chr16:1,210,082, G>T. VCF-style: chr16-1210082-G-T. GRCh37 (hg19) VCF-style: chr16-1260082-G-T.
Other names: c.3792G>T, p.Gln1264His (NM_001005407.2); short protein forms Q1264H.
Identifiers: ClinVar variation 529635 (VCV000529635.17), dbSNP rs200228767, ClinGen allele CA7800930.

ClinVar aggregate classification (germline): Conflicting classifications of pathogenicity. Review status: criteria provided, conflicting classifications (1 of 4 stars). 4 submissions from 4 submitters: Uncertain significance (1); Benign (1); Likely benign (2). Last evaluated 2026-09-01.

Conditions:
Idiopathic generalized epilepsy. Also called: Generalised epilepsy; EIG. Identifiers: MedGen C0270850, MONDO:0005579, OMIM 600669.
Hyperaldosteronism, familial, type IV (HALD4). Also called: FH IV; ALDOSTERONISM, PRIMARY, AND HYPERTENSION. Identifiers: Orphanet 642671, MedGen C4310756, MONDO:0014875, OMIM 617027.
Epilepsy, childhood absence, susceptibility to, 6. Identifiers: Orphanet 64280, MedGen C2749872, MONDO:0012763, OMIM 611942.

Allele frequency attached by ClinVar (database versions not stated): ESP Exome Variant Server 0.00081; ExAC 0.00087; TOPMed 0.00064; gnomAD exomes 0.00068; 1000 Genomes Project 0.00140; 1000 Genomes Project 30x 0.00156.
gnomAD v4.1: 1,038 of 1,559,858 alleles (0.067%); highest among the groups gnomAD compares: Admixed American, 0.17%; 3 homozygotes.

Submissions (4):

GeneDx
Classification: Uncertain significance. Last evaluated: 2026-09-01. Review status: criteria provided, single submitter. Criteria: GeneDx Variant Classification Process June 2021. Collection method: clinical testing. Allele origin: germline.
Comment: Observed in several unrelated patients with seizures and in one unaffected parent; however, other genes associated with seizures were not sequenced in these individuals (PMID: 17696120); Functional studies showed that this variant did not alter channel properties (PMID: 17696120); In silico analysis suggests that this missense variant does not alter protein structure/function; This variant is associated with the following publications: (PMID: 28488083, 31217264, 17696120)

Labcorp Genetics (formerly Invitae), Labcorp
Classification: Benign for Idiopathic generalized epilepsy; Hyperaldosteronism, familial, type IV. Last evaluated: 2026-02-02. Review status: criteria provided, single submitter. Criteria: Invitae Variant Classification Sherloc (09022015). Collection method: clinical testing. Allele origin: germline.

Blueprint Genetics
Classification: Likely benign. Last evaluated: 2024-11-22. Review status: criteria provided, single submitter. Criteria: ACMG Guidelines, 2015. Collection method: clinical testing. Allele origin: germline.

Fulgent Genetics
Classification: Likely benign for Epilepsy, childhood absence, susceptibility to, 6; Hyperaldosteronism, familial, type IV. Last evaluated: 2021-10-08. Review status: criteria provided, single submitter. Criteria: ACMG Guidelines, 2015. Collection method: clinical testing. Allele origin: unknown.